The following is an entry in ClinVar:

ClinVar aggregate classification (germline): Benign/Likely benign. Review status: criteria provided, multiple submitters, no conflicts (2 of 4 stars). 2 submissions from 2 submitters: Benign (1); Likely benign (1). Last evaluated 2024-11-25.

Conditions:
Occult macular dystrophy (OCMD). Also called: OCCULT MACULAR DYSTROPHY, SUSCEPTIBILITY TO; OMD. Identifiers: Orphanet 247834, MedGen C3150833, MONDO:0013316, OMIM 613587, HP:0030636.

Allele frequency attached by ClinVar (database versions not stated): gnomAD 0.00333.
gnomAD v4.1: 883 of 1,465,436 alleles (0.06%); highest among the groups gnomAD compares: African/African-American, 1.1%; 5 homozygotes.

Submissions (2):

Blueprint Genetics
Classification: Likely benign. Last evaluated: 2024-11-25. Review status: criteria provided, single submitter. Criteria: ACMG Guidelines, 2015. Collection method: clinical testing. Allele origin: germline.

Illumina Laboratory Services, Illumina
Classification: Benign for Occult macular dystrophy. Last evaluated: 2018-01-12. Review status: criteria provided, single submitter. Criteria: ICSL Variant Classification Criteria 13 December 2019. Collection method: clinical testing. Allele origin: germline.
Comment: This variant was observed in the ICSL laboratory as part of a predisposition screen in an ostensibly healthy population. It had not been previously curated by ICSL or reported in the Human Gene Mutation Database (HGMD: prior to June 1st, 2018), and was therefore a candidate for classification through an automated scoring system. Utilizing variant allele frequency, disease prevalence and penetrance estimates, and inheritance mode, an automated score was calculated to assess if this variant is too frequent to cause the disease. Based on the score and internal cut-off values, a variant classified as benign is not then subjected to further curation. The score for this variant resulted in a classification of benign for this disease.

NM_178857.6(RP1L1):c.4046A>T (p.Gln1349Leu)

Gene: RP1L1 (RP1 like 1). Cytogenetic location: 8p23.1.
Variant type: single nucleotide variant.
Coding change: c.4046A>T on transcript NM_178857.6 (MANE Select); coding-DNA position 4046, A replaced by T.
Protein change: p.Gln1349Leu; replaces glutamine 1349 with leucine.
Molecular consequence: missense variant.
Genome position (GRCh38, 1-based): chr8:10,610,052, T>A on the plus strand (A>T on the coding strand, the complement: RP1L1 is on the minus strand). VCF-style: chr8-10610052-T-A. GRCh37 (hg19) VCF-style: chr8-10467562-T-A.
Other names: short protein forms Q1349L.
Identifiers: ClinVar variation 911191 (VCV000911191.5), dbSNP rs13253053, ClinGen allele CA4624173.